The following is an entry in ClinVar:

NM_001563.4(IMPG1):c.498-3T>C

Gene: IMPG1 (interphotoreceptor matrix proteoglycan 1; minus strand). Cytogenetic location: 6q14.1.
Variant type: single nucleotide variant.
Coding change: c.498-3T>C on transcript NM_001563.4 (MANE Select); 3 bases into the intron before coding-DNA position 498, T replaced by C.
Molecular consequence: intron variant.
Genome position (GRCh38, 1-based): chr6:76,025,261, A>G on the plus strand (T>C on the coding strand, the complement: IMPG1 is on the minus strand). VCF-style: chr6-76025261-A-G. GRCh37 (hg19) VCF-style: chr6-76734978-A-G.
Other names: c.264-3T>C (NM_001282368.2).
Identifiers: ClinVar variation 2261252 (VCV002261252.2), dbSNP rs1162126471, ClinGen allele CA568598669.

ClinVar aggregate classification (germline): Uncertain significance (1 of 4 stars; one submission).

Allele frequency attached by ClinVar (database versions not stated): gnomAD exomes below 0.00001; TOPMed below 0.00001.
gnomAD v4.1: 3 of 1,548,038 alleles (0.00019%); highest among the groups gnomAD compares: Middle Eastern, 0.017%; no homozygotes.

Submission:

Ambry Genetics
Classification: Uncertain significance. Last evaluated: 2021-11-22. Review status: criteria provided, single submitter. Criteria: Ambry Variant Classification Scheme 2023. Collection method: clinical testing. Allele origin: germline.
Comment: The c.498-3T>C intronic alteration consists of a T to C substitution 3 nucleotides before exon 5 of the IMPG1 gene. Based on insufficient or conflicting evidence, the clinical significance of this alteration remains unclear.